The following is an entry in ClinVar:

NM_017654.4(SAMD9):c.2831T>G (p.Ile944Ser)

Gene: SAMD9 (sterile alpha motif domain containing 9; minus strand). Cytogenetic location: 7q21.2.
Variant type: single nucleotide variant.
Coding change: c.2831T>G on transcript NM_017654.4 (MANE Select); coding-DNA position 2831, T replaced by G.
Protein change: p.Ile944Ser; replaces isoleucine 944 with serine.
Molecular consequence: missense variant.
Genome position (GRCh38, 1-based): chr7:93,103,267, A>C on the plus strand (T>G on the coding strand, the complement: SAMD9 is on the minus strand). VCF-style: chr7-93103267-A-C. GRCh37 (hg19) VCF-style: chr7-92732580-A-C.
Other names: c.2831T>G, p.Ile944Ser (NM_001193307.2); short protein forms I944S.
Identifiers: ClinVar variation 4629961 (VCV004629961.1).

ClinVar aggregate classification (germline): Uncertain significance (1 of 4 stars; one submission).

Conditions:
Inborn genetic diseases. Identifiers: MedGen C0950123, MeSH D030342.

Submission:

Ambry Genetics
Classification: Uncertain significance for Inborn genetic diseases. Last evaluated: 2025-11-24. Review status: criteria provided, single submitter. Criteria: Ambry Variant Classification Scheme 2023. Collection method: clinical testing. Allele origin: germline.
Comment: The p.I944S variant (also known as c.2831T>G), located in coding exon 1 of the SAMD9 gene, results from a T to G substitution at nucleotide position 2831. The isoleucine at codon 944 is replaced by serine, an amino acid with dissimilar properties. This amino acid position is conserved. In addition, the in silico prediction for this alteration is inconclusive. Based on the available evidence, the clinical significance of this variant remains unclear.